The following is an entry in ClinVar:

NM_004364.5(CEBPA):c.119C>T (p.Ala40Val)

Gene: CEBPA (CCAAT enhancer binding protein alpha; minus strand). Cytogenetic location: 19q13.11.
Variant type: single nucleotide variant.
Coding change: c.119C>T on transcript NM_004364.5 (MANE Select); coding-DNA position 119, C replaced by T.
Protein change: p.Ala40Val; replaces alanine 40 with valine.
Molecular consequence: missense variant. On other transcripts: 5 prime UTR variant (1).
Genome position (GRCh38, 1-based): chr19:33,302,296, G>A on the plus strand (C>T on the coding strand, the complement: CEBPA is on the minus strand). VCF-style: chr19-33302296-G-A. GRCh37 (hg19) VCF-style: chr19-33793202-G-A.
Other names: c.-239C>T (NM_001285829.2); c.224C>T, p.Ala75Val (NM_001287424.2); c.77C>T, p.Ala26Val (NM_001287435.2); c.119C>T (NM_004364.3); short protein forms A26V, A40V, A75V.
Identifiers: ClinVar variation 1007183 (VCV001007183.10), dbSNP rs1967198676, ClinGen allele CA405275636.

ClinVar aggregate classification (germline): Uncertain significance. Review status: criteria provided, multiple submitters, no conflicts (2 of 4 stars). 2 submissions from 2 submitters: Uncertain significance (2). Last evaluated 2025-08-24.

Conditions:
Inborn genetic diseases. Identifiers: MedGen C0950123, MeSH D030342.
Acute myeloid leukemia (AML). Also called: Acute myeloid leukemia, adult; AML adult; Acute non-lymphocytic leukemia; Acute granulocytic leukemia; Leukemia, acute myelogenous, somatic; Leukemia, acute myeloid, somatic. Identifiers: Orphanet 519, MedGen C0023467, MeSH D015470, MONDO:0018874, OMIM 601626, HP:0004808. Disease mechanism: Constitutively activated FLT3.

Allele frequency attached by ClinVar (database versions not stated): gnomAD exomes below 0.00001.

Submissions (2):

Ambry Genetics
Classification: Uncertain significance for Inborn genetic diseases. Last evaluated: 2025-08-24. Review status: criteria provided, single submitter. Criteria: Ambry Variant Classification Scheme 2023. Collection method: clinical testing. Allele origin: germline.
Comment: The p.A40V variant (also known as c.119C>T), located in coding exon 1 of the CEBPA gene, results from a C to T substitution at nucleotide position 119. The alanine at codon 40 is replaced by valine, an amino acid with similar properties. This amino acid position is conserved. In addition, this alteration is predicted to be tolerated by in silico analysis. Based on the available evidence, the clinical significance of this variant remains unclear.

Labcorp Genetics (formerly Invitae), Labcorp
Classification: Uncertain significance for Acute myeloid leukemia. Last evaluated: 2023-05-13. Review status: criteria provided, single submitter. Criteria: Invitae Variant Classification Sherloc (09022015). Collection method: clinical testing. Allele origin: germline.
Comment: ClinVar contains an entry for this variant (Variation ID: 1007183). This variant has not been reported in the literature in individuals affected with CEBPA-related conditions. This variant is not present in population databases (gnomAD no frequency). This sequence change replaces alanine, which is neutral and non-polar, with valine, which is neutral and non-polar, at codon 40 of the CEBPA protein (p.Ala40Val). Advanced modeling of protein sequence and biophysical properties (such as structural, functional, and spatial information, amino acid conservation, physicochemical variation, residue mobility, and thermodynamic stability) performed at Invitae indicates that this missense variant is not expected to disrupt CEBPA protein function. In summary, the available evidence is currently insufficient to determine the role of this variant in disease. Therefore, it has been classified as a Variant of Uncertain Significance.